The following is an entry in ClinVar:

ClinVar aggregate classification (germline): Uncertain significance (1 of 4 stars; one submission).

Conditions:
Legius syndrome. Identifiers: Orphanet 137605, MedGen C1969623, MONDO:0012669, OMIM 611431. Disease mechanism: loss of function.

Submission:

Labcorp Genetics (formerly Invitae), Labcorp
Classification: Uncertain significance for Legius syndrome. Last evaluated: 2025-06-24. Review status: criteria provided, single submitter. Criteria: Invitae Variant Classification Sherloc (09022015). Collection method: clinical testing. Allele origin: germline.
Comment: This sequence change replaces tryptophan, which is neutral and slightly polar, with cysteine, which is neutral and slightly polar, at codon 404 of the SPRED1 protein (p.Trp404Cys). This variant is not present in population databases (gnomAD no frequency). This variant has not been reported in the literature in individuals affected with SPRED1-related conditions. Invitae Evidence Modeling of protein sequence and biophysical properties (such as structural, functional, and spatial information, amino acid conservation, physicochemical variation, residue mobility, and thermodynamic stability) indicates that this missense variant is expected to disrupt SPRED1 protein function with a positive predictive value of 80%. In summary, the available evidence is currently insufficient to determine the role of this variant in disease. Therefore, it has been classified as a Variant of Uncertain Significance.

NM_152594.3(SPRED1):c.1212G>C (p.Trp404Cys)

Gene: SPRED1 (sprouty related EVH1 domain containing 1; plus strand). Cytogenetic location: 15q14.
Variant type: single nucleotide variant.
Coding change: c.1212G>C on transcript NM_152594.3 (MANE Select); coding-DNA position 1212, G replaced by C.
Protein change: p.Trp404Cys; replaces tryptophan 404 with cysteine.
Molecular consequence: missense variant.
Genome position (GRCh38, 1-based): chr15:38,351,541, G>C. VCF-style: chr15-38351541-G-C. GRCh37 (hg19) VCF-style: chr15-38643742-G-C.
Other names: short protein forms W404C.
Identifiers: ClinVar variation 4764578 (VCV004764578.1).